The following is an entry in ClinVar:

NM_000179.3(MSH6):c.1133_1134del (p.Arg378fs)

Gene: MSH6 (mutS homolog 6; plus strand). Cytogenetic location: 2p16.3.
Variant type: Microsatellite.
Coding change: c.1133_1134del on transcript NM_000179.3 (MANE Select); coding-DNA positions 1133 to 1134, 2 bases deleted (GA; older notation c.1133_1134delGA).
Protein change: p.Arg378fs; shifts the reading frame from arginine 378.
Molecular consequence: frameshift variant.
Genome position (GRCh38, 1-based): chr2:47,799,116-47,799,117, GA deleted; deleting any 2 consecutive bases within chr2:47,799,113-47,799,117 gives the same sequence; the c. name uses the placement nearest the transcript's 3' end. VCF-style (leftmost placement, unchanged base first): chr2-47799112-AAG-A. GRCh37 (hg19) VCF-style: chr2-48026251-AAG-A.
Other names: c.743_744del, p.Arg248fs (NM_001281492.2); c.227_228del, p.Arg76fs (NM_001281493.2, NM_001281494.2); short protein forms R76fs, R378fs, R248fs.
Identifiers: ClinVar variation 1443559 (VCV001443559.9), dbSNP rs2104321566, ClinGen allele CA2580611347.

ClinVar aggregate classification (germline): Pathogenic. Review status: criteria provided, multiple submitters, no conflicts (2 of 4 stars). 3 submissions from 3 submitters: Pathogenic (3). Last evaluated 2023-08-11.

Conditions:
Hereditary cancer-predisposing syndrome. Also called: Tumor predisposition; Hereditary Cancer Syndrome; Hereditary neoplastic syndrome; Neoplastic Syndromes, Hereditary. Identifiers: Orphanet 140162, MedGen C0027672, MeSH D009386, MONDO:0015356.
Lynch syndrome 5 (LYNCH5). Also called: Hereditary non-polyposis colorectal cancer, type 5; Colorectal cancer, hereditary nonpolyposis, type 5. Identifiers: Orphanet 144, MedGen C1833477, MONDO:0013710, OMIM 614350. Disease mechanism: loss of function.
Hereditary nonpolyposis colorectal neoplasms. Identifiers: MedGen C0009405, MeSH D003123.

Submissions (3):

Myriad Genetics, Inc.
Classification: Pathogenic for Lynch syndrome 5. Last evaluated: 2023-08-11. Review status: criteria provided, single submitter. Criteria: Myriad Autosomal Dominant, Autosomal Recessive and X-Linked Classification Criteria (2023). Collection method: clinical testing. Allele origin: unknown.
Comment: This variant is considered pathogenic. This variant creates a frameshift predicted to result in premature protein truncation.

Labcorp Genetics (formerly Invitae), Labcorp
Classification: Pathogenic for Hereditary nonpolyposis colorectal neoplasms. Last evaluated: 2021-07-15. Review status: criteria provided, single submitter. Criteria: Invitae Variant Classification Sherloc (09022015). Collection method: clinical testing. Allele origin: germline.
Comment: This sequence change creates a premature translational stop signal (p.Arg378Lysfs*3) in the MSH6 gene. It is expected to result in an absent or disrupted protein product. Loss-of-function variants in MSH6 are known to be pathogenic (PMID: 18269114, 24362816). This variant is not present in population databases (ExAC no frequency). This premature translational stop signal has been observed in individual(s) with Lynch syndrome (PMID: 28874130). For these reasons, this variant has been classified as Pathogenic.

Ambry Genetics
Classification: Pathogenic for Hereditary cancer-predisposing syndrome. Last evaluated: 2020-03-20. Review status: criteria provided, single submitter. Criteria: Ambry Variant Classification Scheme 2023. Collection method: clinical testing. Allele origin: germline.
Comment: The c.1133_1134delGA variant, located in coding exon 4 of the MSH6 gene, results from a deletion of two nucleotides at nucleotide positions 1133 to 1134, causing a translational frameshift with a predicted alternate stop codon (p.R378Kfs*3). This alteration has been identified in a cohort of Latin American patients suspected of having Lynch syndrome (Rossi BM et al. BMC Cancer, 2017 Sep;17:623). In addition to the clinical data presented in the literature, this alteration is expected to result in loss of function by premature protein truncation or nonsense-mediated mRNA decay. As such, this alteration is interpreted as a disease-causing mutation.

Literature cited by the submitters: PubMed 18269114 (cited by Labcorp Genetics (formerly Invitae), Labcorp); PubMed 24362816 (cited by Labcorp Genetics (formerly Invitae), Labcorp); PubMed 28874130 (cited by Labcorp Genetics (formerly Invitae), Labcorp and Ambry Genetics).